The following is an entry in ClinVar:

NM_015021.3(ZNF292):c.7384T>A (p.Ser2462Thr)

Gene: ZNF292 (zinc finger protein 292; plus strand). Cytogenetic location: 6q14.3.
Variant type: single nucleotide variant.
Coding change: c.7384T>A on transcript NM_015021.3 (MANE Select); coding-DNA position 7384, T replaced by A.
Protein change: p.Ser2462Thr; replaces serine 2462 with threonine.
Molecular consequence: missense variant.
Genome position (GRCh38, 1-based): chr6:87,261,013, T>A. VCF-style: chr6-87261013-T-A. GRCh37 (hg19) VCF-style: chr6-87970731-T-A.
Other names: c.6964T>A, p.Ser2322Thr (NM_001351444.2); short protein forms S2322T, S2462T.
Identifiers: ClinVar variation 4881209 (VCV004881209.2).

ClinVar aggregate classification (germline): Uncertain significance (1 of 4 stars; one submission).

Submission:

Dasa
Classification: Uncertain significance. Last evaluated: 2024-11-07. Review status: criteria provided, single submitter. Criteria: DASA Assertion Criteria. Collection method: clinical testing. Allele origin: germline.
Comment: NM_015021.3(ZNF292):c.7384T>A (p.Ser2462Thr) is a missense variant that results in the substitution of serine with threonine. This variant is absent from population databases. Computational prediction algorithms are consistent with a benign effect. The currently available literature and clinical evidence are not sufficient to establish a definitive association between this variant and the reported condition. Therefore, this variant is classified as a variant of uncertain significance.